The following is an entry in ClinVar:

NM_133433.4(NIPBL):c.4700A>G (p.Gln1567Arg)

Gene: NIPBL (NIPBL cohesin loading factor; plus strand). Cytogenetic location: 5p13.2.
Variant type: single nucleotide variant.
Coding change: c.4700A>G on transcript NM_133433.4 (MANE Select); coding-DNA position 4700, A replaced by G.
Protein change: p.Gln1567Arg; replaces glutamine 1567 with arginine.
Molecular consequence: missense variant.
Genome position (GRCh38, 1-based): chr5:37,016,094, A>G. VCF-style: chr5-37016094-A-G. GRCh37 (hg19) VCF-style: chr5-37016196-A-G.
Other names: c.4700A>G, p.Gln1567Arg (NM_015384.5); short protein forms Q1567R.
Identifiers: ClinVar variation 3635348 (VCV003635348.2).

ClinVar aggregate classification (germline): Uncertain significance (1 of 4 stars; one submission).

Conditions:
Cornelia de Lange syndrome 1 (CDLS1). Also called: Brachmann de Lange syndrome; NIPBL-Related Cornelia de Lange Syndrome; TYPUS DEGENERATIVUS AMSTELODAMENSIS. Identifiers: Orphanet 199, MedGen C4551851, MONDO:0007387, OMIM 122470.

gnomAD v4.1: 2 of 1,613,962 alleles (0.00012%); highest among the groups gnomAD compares: African/African-American, 0.0027%; no homozygotes.

Submission:

Labcorp Genetics (formerly Invitae), Labcorp
Classification: Uncertain significance for Cornelia de Lange syndrome 1. Last evaluated: 2024-12-29. Review status: criteria provided, single submitter. Criteria: Invitae Variant Classification Sherloc (09022015). Collection method: clinical testing. Allele origin: germline.
Comment: This sequence change replaces glutamine, which is neutral and polar, with arginine, which is basic and polar, at codon 1567 of the NIPBL protein (p.Gln1567Arg). This variant is not present in population databases (gnomAD no frequency). This variant has not been reported in the literature in individuals affected with NIPBL-related conditions. Invitae Evidence Modeling of protein sequence and biophysical properties (such as structural, functional, and spatial information, amino acid conservation, physicochemical variation, residue mobility, and thermodynamic stability) has been performed for this missense variant. However, the output from this modeling did not meet the statistical confidence thresholds required to predict the impact of this variant on NIPBL protein function. In summary, the available evidence is currently insufficient to determine the role of this variant in disease. Therefore, it has been classified as a Variant of Uncertain Significance.